The following is an entry in ClinVar:

NM_001197104.2(KMT2A):c.3464G>A (p.Cys1155Tyr)

Gene: KMT2A (lysine methyltransferase 2A; plus strand). Cytogenetic location: 11q23.3.
Variant type: single nucleotide variant.
Coding change: c.3464G>A on transcript NM_001197104.2 (MANE Select); coding-DNA position 3464, G replaced by A.
Protein change: p.Cys1155Tyr; replaces cysteine 1155 with tyrosine.
Molecular consequence: missense variant.
Genome position (GRCh38, 1-based): chr11:118,478,096, G>A. VCF-style: chr11-118478096-G-A. GRCh37 (hg19) VCF-style: chr11-118348811-G-A.
Other names: c.3464G>A, p.Cys1155Tyr (NM_005933.4); short protein forms C1155Y.
Identifiers: ClinVar variation 372920 (VCV000372920.4), dbSNP rs1057518074, ClinGen allele CA16042769.

ClinVar aggregate classification (germline): Pathogenic/Likely pathogenic. Review status: criteria provided, multiple submitters, no conflicts (2 of 4 stars). 3 submissions from 3 submitters: Pathogenic (2); Likely pathogenic (1). Last evaluated 2018-03-15.

Conditions:
Wiedemann-Steiner syndrome (WDSTS). Also called: Growth deficiency and mental retardation with facial dysmorphism. Identifiers: Orphanet 319182, MedGen C1854630, MONDO:0011518, OMIM 605130.

Submissions (3):

GeneDx
Classification: Pathogenic. Last evaluated: 2018-03-15. Review status: criteria provided, single submitter. Criteria: GeneDx Variant Classification (06012015). Collection method: clinical testing. Allele origin: germline. Affected: yes.
Comment: The C1155Y pathogenic variant in the KMT2A gene has been reported previously as a de novo variant in an individual with Wiedemann-Steiner syndrome (Bramswig et al., 2015). This variant was not observed in approximately 6500 individuals of European and African American ancestry in the NHLBI Exome Sequencing Project, indicating it is not a common benign variant in these populations. The C1155Y variant is a non-conservative amino acid substitution, which is likely to impact secondary protein structure as these residues differ in polarity, charge, size and/or other properties. This substitution occurs at a position that is conserved across species, and in silico analysis predicts this variant is probably damaging to the protein structure/function. As an alternate mechanism, several splice predictor models indicate that this sequence change may create a new cryptic splice donor site for intron 5, which may cause abnormal gene splicing. We interpret C1155Y as a pathogenic variant.

Baylor Genetics
Classification: Likely pathogenic for Wiedemann-Steiner syndrome. Last evaluated: 2017-12-31. Review status: criteria provided, single submitter. Criteria: ACMG Guidelines, 2015. Collection method: clinical testing. Allele origin: germline. Affected: yes.

Equipe Genetique des Anomalies du Developpement, Université de Bourgogne
Classification: Pathogenic for Wiedemann-Steiner syndrome. Last evaluated: 2015-01-01. Review status: criteria provided, single submitter. Criteria: ACMG Guidelines, 2007. Collection method: clinical testing. Allele origin: de novo. Affected: yes.

Literature cited by the submitters: PubMed 25724810 (cited by Baylor Genetics); PubMed 27441994 (cited by Baylor Genetics).